The following is an entry in ClinVar:

ClinVar aggregate classification (germline): Conflicting classifications of pathogenicity. Review status: criteria provided, conflicting classifications (1 of 4 stars). 5 submissions from 5 submitters: Uncertain significance (3); Benign (1). 1 of the submissions does not count toward it. Last evaluated 2026-01-18.

Conditions:
Retinoblastoma (RB1). Also called: RETINOBLASTOMA, SOMATIC. Identifiers: Orphanet 790, MedGen C0035335, MeSH D012175, MONDO:0008380, OMIM 180200, HP:0009919. Disease mechanism: loss of function. Inheritance: Both sporadic and heritable forms are tested..
RB1-related disorder. Also called: RB1-related condition.

Allele frequency attached by ClinVar (database versions not stated): 1000 Genomes Project 30x 0.00031; TOPMed 0.00002; gnomAD 0.00003; 1000 Genomes Project 0.00020.

Submissions (5):

Labcorp Genetics (formerly Invitae), Labcorp
Classification: Benign for Retinoblastoma. Last evaluated: 2026-01-18. Review status: criteria provided, single submitter. Criteria: Invitae Variant Classification Sherloc (09022015). Collection method: clinical testing. Allele origin: germline.

GeneDx
Classification: Uncertain significance. Last evaluated: 2024-06-05. Review status: criteria provided, single submitter. Criteria: GeneDx Variant Classification Process June 2021. Collection method: clinical testing. Allele origin: germline. Affected: yes.
Comment: Observed in individuals with retinoblastoma as well as in one unaffected parent (PMID: 33493472, 32218800, 30636860); No data available from ethnically-matched control populations to assess the frequency of this variant; This variant is associated with the following publications: (PMID: 30636860, 32218800, 33493472)

Genetic Diagnostic Laboratory, University of Pennsylvania School of Medicine
Classification: Uncertain significance for Retinoblastoma. Last evaluated: 2024-05-20. Review status: criteria provided, single submitter. Criteria: ACMG Guidelines, 2015. Collection method: clinical testing. Allele origin: germline. Affected: yes. Observed: 1 variant allele.
Comment: Case and Pedigree Information: BILATERAL CASES:0, UNILATERAL CASES:1, TOTAL CASES:1, PEDIGREES:1. ACMG Codes Applied:PM2

Blueprint Genetics
Classification: Uncertain significance. Last evaluated: 2024-02-16. Review status: criteria provided, single submitter. Criteria: ACMG Guidelines, 2015. Collection method: clinical testing. Allele origin: germline.

PreventionGenetics, part of Exact Sciences
Classification: Uncertain significance for RB1-related condition. Last evaluated: 2024-08-12. Review status: no assertion criteria provided. Collection method: clinical testing. Allele origin: germline. Not counted in ClinVar's aggregate classification.
Comment: The RB1 c.-235G>A variant is located in the 5' untranslated region. This variant was reported in individuals with retinoblastoma (Rojanaporn et al. 2018. PubMed ID: 30636860 - variant described as g.1825G>A; Chai et al. 2021. PubMed ID: 33493472). This variant has not been reported in a large population database, indicating this variant is rare. This variant is interpreted as uncertain significance in ClinVar. At this time, the clinical significance of this variant is uncertain due to the absence of conclusive functional and genetic evidence.

NC_000013.11:g.48303678G>A

Genes: RB1 (RB transcriptional corepressor 1; plus strand), RB1-DT (RB1 divergent transcript; minus strand). Cytogenetic location: 13q14.2.
Variant type: single nucleotide variant.
Molecular consequence: non-coding transcript variant (on NR_046414.2).
Genome position: GRCh38 VCF-style: chr13-48303678-G-A. GRCh37 (hg19) VCF-style: chr13-48877814-G-A.
Other names: c.-235G>A (NM_000321.3).
Identifiers: ClinVar variation 3009389 (VCV003009389.7), dbSNP rs576931877, ClinGen allele CA249841988.